The following is an entry in ClinVar:

ClinVar aggregate classification (germline): Conflicting classifications of pathogenicity. Review status: criteria provided, conflicting classifications (1 of 4 stars). 3 submissions from 3 submitters: Uncertain significance (2); Benign (1). Last evaluated 2026-03-27.

Conditions:
Cardiovascular phenotype. Identifiers: MedGen CN230736.
Ehlers-Danlos syndrome, classic type, 1 (EDSCL1). Also called: EHLERS-DANLOS SYNDROME, GRAVIS TYPE; EHLERS-DANLOS SYNDROME, SEVERE CLASSIC TYPE; Ehlers-Danlos syndrome, type 1; EDS I; Ehlers-Danlos Syndrome, Classic Type, COL5A1-Related. Identifiers: MedGen C0268335, MONDO:0019567, OMIM 130000.

Allele frequency attached by ClinVar (database versions not stated): gnomAD 0.00001; gnomAD exomes 0.00001 and below 0.00001; TOPMed below 0.00001; ExAC 0.00001.

Submissions (3):

Molecular Diagnostic Laboratory for Inherited Cardiovascular Disease, Montreal Heart Institute
Classification: Uncertain significance for Cardiovascular phenotype. Last evaluated: 2026-03-27. Review status: criteria provided, single submitter. Criteria: ACMG Guidelines, 2015. Collection method: clinical testing. Allele origin: germline. Affected: yes.
Comment: PP3, BS1

Labcorp Genetics (formerly Invitae), Labcorp
Classification: Benign for Ehlers-Danlos syndrome, classic type, 1. Last evaluated: 2025-10-24. Review status: criteria provided, single submitter. Criteria: Invitae Variant Classification Sherloc (09022015). Collection method: clinical testing. Allele origin: germline.

GeneDx
Classification: Uncertain significance. Last evaluated: 2024-04-01. Review status: criteria provided, single submitter. Criteria: GeneDx Variant Classification Process June 2021. Collection method: clinical testing. Allele origin: germline. Affected: yes.
Comment: Not observed at significant frequency in large population cohorts (gnomAD); In silico analysis supports that this missense variant has a deleterious effect on protein structure/function; Not located in the triple helical region, where the majority of pathogenic missense variants occur (PMID: 22696272; HGMD); Has not been previously published as pathogenic or benign to our knowledge; This variant is associated with the following publications: (PMID: 22696272)

NM_000093.5(COL5A1):c.577C>T (p.Arg193Cys)

Gene: COL5A1 (collagen type V alpha 1 chain; plus strand). Cytogenetic location: 9q34.3.
Variant type: single nucleotide variant.
Coding change: c.577C>T on transcript NM_000093.5 (MANE Select); coding-DNA position 577, C replaced by T.
Protein change: p.Arg193Cys; replaces arginine 193 with cysteine.
Molecular consequence: missense variant.
Genome position (GRCh38, 1-based): chr9:134,701,256, C>T. VCF-style: chr9-134701256-C-T. GRCh37 (hg19) VCF-style: chr9-137593102-C-T.
Other names: c.577C>T (NM_000093.4); c.577C>T, p.Arg193Cys (NM_001278074.1); short protein forms R193C.
Identifiers: ClinVar variation 1315954 (VCV001315954.11), dbSNP rs765170704, ClinGen allele CA5318353.